The following is an entry in ClinVar:

ClinVar aggregate classification (germline): Likely benign (1 of 4 stars; one submission).

Allele frequency attached by ClinVar (database versions not stated): ExAC 0.00001; TOPMed 0.00002; gnomAD 0.00003; gnomAD exomes 0.00005.
gnomAD v4.1: 71 of 1,614,040 alleles (0.0044%); highest among the groups gnomAD compares: Middle Eastern, 0.016%; no homozygotes.

Submission:

CeGaT Center for Human Genetics Tuebingen
Classification: Likely benign. Last evaluated: 2023-01-01. Review status: criteria provided, single submitter. Criteria: CeGaT Center For Human Genetics Tuebingen Variant Classification Criteria Version 2. Collection method: clinical testing. Allele origin: germline. Affected: yes. Observed: 1 variant allele.
Comment: TGM5: BP4

NM_201631.4(TGM5):c.1108G>A (p.Val370Ile)

Gene: TGM5 (transglutaminase 5; minus strand). Cytogenetic location: 15q15.2.
Variant type: single nucleotide variant.
Coding change: c.1108G>A on transcript NM_201631.4 (MANE Select); coding-DNA position 1108, G replaced by A.
Protein change: p.Val370Ile; replaces valine 370 with isoleucine.
Molecular consequence: missense variant.
Genome position (GRCh38, 1-based): chr15:43,239,054, C>T on the plus strand (G>A on the coding strand, the complement: TGM5 is on the minus strand). VCF-style: chr15-43239054-C-T. GRCh37 (hg19) VCF-style: chr15-43531252-C-T.
Other names: c.862G>A, p.Val288Ile (NM_004245.4); short protein forms V288I, V370I.
Identifiers: ClinVar variation 2645268 (VCV002645268.24), dbSNP rs200175407, ClinGen allele CA7521053.